The following is an entry in ClinVar:

NM_000202.8(IDS):c.798del (p.Trp267fs)

Genes: IDS (iduronate 2-sulfatase; minus strand), LOC106050102 (IDS recombination region; plus strand). Cytogenetic location: Xq28.
Variant type: Deletion.
Coding change: c.798del on transcript NM_000202.8 (MANE Select); coding-DNA position 798, one base deleted (C; older notation c.798delC).
Protein change: p.Trp267fs; shifts the reading frame from tryptophan 267.
Molecular consequence: frameshift variant. On other transcripts: non-coding transcript variant (1).
Genome position (GRCh38, 1-based): chrX:149,496,427, G deleted on the plus strand (C on the coding strand, the reverse complement: IDS is on the minus strand); the first of 4 consecutive G bases (chrX:149,496,427-149,496,430); deleting any one gives the same sequence. VCF-style (leftmost placement, unchanged base first): chrX-149496426-AG-A. GRCh37 (hg19) VCF-style: chrX-148577957-AG-A.
Other names: c.528del, p.Trp177fs (NM_001166550.4); c.798del, p.Trp267fs (NM_006123.5); short protein forms W177fs, W267fs.
Identifiers: ClinVar variation 3255845 (VCV003255845.2).
Genomic context (GRCh38, chrX:149,496,426, plus strand): 5'-GACCATACGGCACACTGATGTTTAAGGCTTGGACGTCTTCCCGTTGCCTGATGTCCATCC[AG>A]GGGTTGTAGGCCACAGGGGGTAGGCCATCAGGGACCTCGGGATCGGGGGCCAGGGTGATG-3'

ClinVar aggregate classification (germline): Pathogenic (1 of 4 stars; one submission).

Conditions:
Mucopolysaccharidosis, MPS-II (MPS2). Also called: Hunter Syndrome; IDURONATE 2-SULFATASE DEFICIENCY; Mucopolysaccharidosis Type II; Mucopolysaccharidosis type 2; Attenuated MPS (subtype; formerly known as mild MPS II); Severe MPS II. Identifiers: Orphanet 580, Orphanet 79388, MedGen C0026705, MONDO:0010674, OMIM 309900.

Submission:

Laboratory of Diagnosis and Therapy of Lysosomal Disorders, University of Padova
Classification: Pathogenic for Mucopolysaccharidosis, MPS-II. Last evaluated: 2024-06-07. Review status: criteria provided, single submitter. Criteria: ACMG Guidelines, 2015. Collection method: literature only. Allele origin: germline. Affected: yes. Observed: 1 variant allele.
Comment: Null variant (PVS1_VeryStrong), Absent from controls (or at low frequency) in gnomAD database (PM2_Moderate), Patient’s phenotype or family history highly specific for the disease (PP4_Strong)

Classification method: ACMG Guidelines [PMID:25741868] with modifications

Literature cited by the submitters: PubMed 22976768.